The following is an entry in ClinVar:

NM_001943.5(DSG2):c.3350A>T (p.Tyr1117Phe)

Genes: DSG2 (desmoglein 2; plus strand), DSG2-AS1 (DSG2 antisense RNA 1; minus strand). Cytogenetic location: 18q12.1.
Variant type: single nucleotide variant.
Coding change: c.3350A>T on transcript NM_001943.5 (MANE Select); coding-DNA position 3350, A replaced by T.
Protein change: p.Tyr1117Phe; replaces tyrosine 1117 with phenylalanine.
Molecular consequence: missense variant.
Genome position (GRCh38, 1-based): chr18:31,546,736, A>T. VCF-style: chr18-31546736-A-T. GRCh37 (hg19) VCF-style: chr18-29126699-A-T.
Other names: short protein forms Y1117F.
Identifiers: ClinVar variation 3012637 (VCV003012637.3), dbSNP rs2510922955, ClinGen allele CA402149559.

ClinVar aggregate classification (germline): Uncertain significance (1 of 4 stars; one submission).

Conditions:
Arrhythmogenic right ventricular dysplasia 10. Also called: Arrhythmogenic right ventricular dysplasia/cardiomyopathy, type 10; Arrhythmogenic Right Ventricular Dysplasia/Cardiomyopathy10; ARRHYTHMOGENIC RIGHT VENTRICULAR DYSPLASIA, FAMILIAL, 10. Identifiers: MedGen C1857777, MONDO:0012434, OMIM 610193.

Submission:

Labcorp Genetics (formerly Invitae), Labcorp
Classification: Uncertain significance for Arrhythmogenic right ventricular dysplasia 10. Last evaluated: 2023-04-07. Review status: criteria provided, single submitter. Criteria: Invitae Variant Classification Sherloc (09022015). Collection method: clinical testing. Allele origin: germline.
Comment: In summary, the available evidence is currently insufficient to determine the role of this variant in disease. Therefore, it has been classified as a Variant of Uncertain Significance. Advanced modeling of protein sequence and biophysical properties (such as structural, functional, and spatial information, amino acid conservation, physicochemical variation, residue mobility, and thermodynamic stability) performed at Invitae indicates that this missense variant is not expected to disrupt DSG2 protein function. This variant has not been reported in the literature in individuals affected with DSG2-related conditions. This variant is not present in population databases (gnomAD no frequency). This sequence change replaces tyrosine, which is neutral and polar, with phenylalanine, which is neutral and non-polar, at codon 1117 of the DSG2 protein (p.Tyr1117Phe).